The following is an entry in ClinVar:

NM_052947.4(ALPK2):c.5830C>T (p.Pro1944Ser)

Gene: ALPK2 (alpha kinase 2; minus strand). Cytogenetic location: 18q21.31.
Variant type: single nucleotide variant.
Coding change: c.5830C>T on transcript NM_052947.4 (MANE Select); coding-DNA position 5830, C replaced by T.
Protein change: p.Pro1944Ser; replaces proline 1944 with serine.
Molecular consequence: missense variant.
Genome position (GRCh38, 1-based): chr18:58,517,018, G>A on the plus strand (C>T on the coding strand, the complement: ALPK2 is on the minus strand). VCF-style: chr18-58517018-G-A. GRCh37 (hg19) VCF-style: chr18-56184250-G-A.
Other names: short protein forms P1944S.
Identifiers: ClinVar variation 1749975 (VCV001749975.2), dbSNP rs2051525390, ClinGen allele CA402548628.

ClinVar aggregate classification (germline): Uncertain significance (1 of 4 stars; one submission).

Allele frequency attached by ClinVar (database versions not stated): TOPMed below 0.00001.

Submission:

Ambry Genetics
Classification: Uncertain significance. Last evaluated: 2023-10-15. Review status: criteria provided, single submitter. Criteria: Ambry Variant Classification Scheme 2023. Collection method: clinical testing. Allele origin: germline.
Comment: The p.P1944S variant (also known as c.5830C>T), located in coding exon 8 of the ALPK2 gene, results from a C to T substitution at nucleotide position 5830. The proline at codon 1944 is replaced by serine, an amino acid with similar properties. This amino acid position is conserved. In addition, the in silico prediction for this alteration is inconclusive. Since supporting evidence is limited at this time, the clinical significance of this alteration remains unclear.